The following is an entry in ClinVar:

ClinVar aggregate classification (germline): Uncertain significance (1 of 4 stars; one submission).

Submission:

Ambry Genetics
Classification: Uncertain significance. Last evaluated: 2025-02-10. Review status: criteria provided, single submitter. Criteria: Ambry Variant Classification Scheme 2023. Collection method: clinical testing. Allele origin: germline.
Comment: The p.L92F variant (also known as c.274C>T), located in coding exon 3 of the STAP1 gene, results from a C to T substitution at nucleotide position 274. The leucine at codon 92 is replaced by phenylalanine, an amino acid with highly similar properties. This amino acid position is conserved. In addition, this alteration is predicted to be tolerated by in silico analysis. Based on the available evidence, the clinical significance of this variant remains unclear.

NM_012108.4(STAP1):c.274C>T (p.Leu92Phe)

Genes: STAP1 (signal transducing adaptor family member 1; plus strand), LOC123477751 (Sharpr-MPRA regulatory region 12077; plus strand). Cytogenetic location: 4q13.2.
Variant type: single nucleotide variant.
Coding change: c.274C>T on transcript NM_012108.4 (MANE Select); coding-DNA position 274, C replaced by T.
Protein change: p.Leu92Phe; replaces leucine 92 with phenylalanine.
Molecular consequence: missense variant.
Genome position (GRCh38, 1-based): chr4:67,575,466, C>T. VCF-style: chr4-67575466-C-T. GRCh37 (hg19) VCF-style: chr4-68441184-C-T.
Other names: c.274C>T, p.Leu92Phe (NM_001317769.2); short protein forms L92F.
Identifiers: ClinVar variation 3802142 (VCV003802142.1).